The following is an entry in ClinVar:

NM_203447.4(DOCK8):c.314C>A (p.Pro105His)

Genes: DOCK8 (dedicator of cytokinesis 8; plus strand), LOC126860552 (BRD4-independent group 4 enhancer GRCh37_chr9:285795-286994; plus strand). Cytogenetic location: 9p24.3.
Variant type: single nucleotide variant.
Coding change: c.314C>A on transcript NM_203447.4 (MANE Select); coding-DNA position 314, C replaced by A.
Protein change: p.Pro105His; replaces proline 105 with histidine.
Molecular consequence: missense variant.
Genome position (GRCh38, 1-based): chr9:286,618, C>A. VCF-style: chr9-286618-C-A. GRCh37 (hg19) VCF-style: chr9-286618-C-A.
Other names: c.110C>A, p.Pro37His (NM_001190458.2, NM_001193536.2); short protein forms P105H, P37H.
Identifiers: ClinVar variation 2107839 (VCV002107839.4), dbSNP rs201472678, ClinGen allele CA372756484.

ClinVar aggregate classification (germline): Uncertain significance (1 of 4 stars; one submission).

Conditions:
Combined immunodeficiency due to DOCK8 deficiency (HIES2). Also called: HIES autosomal recessive; HYPER-IgE RECURRENT INFECTION SYNDROME 2, AUTOSOMAL RECESSIVE; DOCK8 Deficiency; HYPER-IgE SYNDROME 2, AUTOSOMAL RECESSIVE, WITH RECURRENT INFECTIONS; Hyper-IgE recurrent infection syndrome, autosomal recessive. Identifiers: Orphanet 217390, MedGen C4722305, MONDO:0009478, OMIM 243700.

Submission:

Labcorp Genetics (formerly Invitae), Labcorp
Classification: Uncertain significance for Combined immunodeficiency due to DOCK8 deficiency. Last evaluated: 2022-03-09. Review status: criteria provided, single submitter. Criteria: Invitae Variant Classification Sherloc (09022015). Collection method: clinical testing. Allele origin: germline.
Comment: In summary, the available evidence is currently insufficient to determine the role of this variant in disease. Therefore, it has been classified as a Variant of Uncertain Significance. Algorithms developed to predict the effect of missense changes on protein structure and function output the following: SIFT: "Tolerated"; PolyPhen-2: "Benign"; Align-GVGD: "Class C0". The histidine amino acid residue is found in multiple mammalian species, which suggests that this missense change does not adversely affect protein function. This variant has not been reported in the literature in individuals affected with DOCK8-related conditions. This variant is not present in population databases (gnomAD no frequency). This sequence change replaces proline, which is neutral and non-polar, with histidine, which is basic and polar, at codon 105 of the DOCK8 protein (p.Pro105His).